The following is an entry in ClinVar:

NM_014915.3(ANKRD26):c.613G>T (p.Val205Leu)

Gene: ANKRD26 (ankyrin repeat domain containing 26; minus strand). Cytogenetic location: 10p12.1.
Variant type: single nucleotide variant.
Coding change: c.613G>T on transcript NM_014915.3 (MANE Select); coding-DNA position 613, G replaced by T.
Protein change: p.Val205Leu; replaces valine 205 with leucine.
Molecular consequence: missense variant.
Genome position (GRCh38, 1-based): chr10:27,092,431, C>A on the plus strand (G>T on the coding strand, the complement: ANKRD26 is on the minus strand). VCF-style: chr10-27092431-C-A. GRCh37 (hg19) VCF-style: chr10-27381360-C-A.
Other names: c.613G>T, p.Val205Leu (NM_001256053.2); short protein forms V205L.
Identifiers: ClinVar variation 3868770 (VCV003868770.1).

ClinVar aggregate classification (germline): Uncertain significance (1 of 4 stars; one submission).

Conditions:
Inborn genetic diseases. Identifiers: MedGen C0950123, MeSH D030342.

Submission:

Ambry Genetics
Classification: Uncertain significance for Inborn genetic diseases. Last evaluated: 2025-01-16. Review status: criteria provided, single submitter. Criteria: Ambry Variant Classification Scheme 2023. Collection method: clinical testing. Allele origin: germline.
Comment: The p.V205L variant (also known as c.613G>T), located in coding exon 4 of the ANKRD26 gene, results from a G to T substitution at nucleotide position 613. The valine at codon 205 is replaced by leucine, an amino acid with highly similar properties. This amino acid position is conserved. In addition, this alteration is predicted to be tolerated by in silico analysis. Based on the available evidence, the clinical significance of this variant remains unclear.